The following is an entry in ClinVar:

NM_000744.7(CHRNA4):c.1553C>G (p.Ala518Gly)

Gene: CHRNA4 (cholinergic receptor nicotinic alpha 4 subunit; minus strand). Cytogenetic location: 20q13.33.
Variant type: single nucleotide variant.
Coding change: c.1553C>G on transcript NM_000744.7 (MANE Select); coding-DNA position 1553, C replaced by G.
Protein change: p.Ala518Gly; replaces alanine 518 with glycine.
Molecular consequence: missense variant. On other transcripts: non-coding transcript variant (1).
Genome position (GRCh38, 1-based): chr20:63,349,858, G>C on the plus strand (C>G on the coding strand, the complement: CHRNA4 is on the minus strand). VCF-style: chr20-63349858-G-C. GRCh37 (hg19) VCF-style: chr20-61981210-G-C.
Other names: c.1025C>G, p.Ala342Gly (NM_001256573.2); c.1553C>G (NM_000744.5); short protein forms A518G, A342G.
Identifiers: ClinVar variation 1411355 (VCV001411355.10), dbSNP rs201365294, ClinGen allele CA9957574.

ClinVar aggregate classification (germline): Uncertain significance. Review status: criteria provided, multiple submitters, no conflicts (2 of 4 stars). 3 submissions from 3 submitters: Uncertain significance (3). Last evaluated 2026-04-08.

Conditions:
Inborn genetic diseases. Identifiers: MedGen C0950123, MeSH D030342.
Familial sleep-related hypermotor epilepsy. Also called: Autosomal Dominant Sleep-Related Hypermotor (Hyperkinetic) Epilepsy. Identifiers: Orphanet 98784, MedGen C3696898, MONDO:0000030.

gnomAD v4.1: 4 of 1,595,876 alleles (0.00025%); highest among the groups gnomAD compares: Admixed American, 0.0051%; no homozygotes.

Submissions (3):

Women's Health and Genetics/Laboratory Corporation of America, LabCorp
Classification: Uncertain significance. Last evaluated: 2026-04-08. Review status: criteria provided, single submitter. Criteria: LabCorp Variant Classification Summary - May 2015. Collection method: clinical testing. Allele origin: germline.
Comment: Variant summary: CHRNA4 c.1553C>G (p.Ala518Gly) results in a non-conservative amino acid change in the encoded protein sequence. Algorithms developed to predict the effect of missense changes on protein structure and function are either unavailable or do not agree on the potential impact of this missense change. The variant allele was found at a frequency of 8.6e-06 in 232998 control chromosomes. The available data on variant occurrences in the general population are insufficient to allow any conclusion about variant significance. To our knowledge, no occurrence of c.1553C>G in individuals affected with CHRNA4-related conditions and no experimental evidence demonstrating its impact on protein function have been reported. ClinVar contains an entry for this variant (Variation ID: 1411355). Based on the evidence outlined above, the variant was classified as uncertain significance.

Labcorp Genetics (formerly Invitae), Labcorp
Classification: Uncertain significance. Last evaluated: 2025-10-10. Review status: criteria provided, single submitter. Criteria: Invitae Variant Classification Sherloc (09022015). Collection method: clinical testing. Allele origin: germline.
Comment: This sequence change replaces alanine, which is neutral and non-polar, with glycine, which is neutral and non-polar, at codon 518 of the CHRNA4 protein (p.Ala518Gly). This variant is present in population databases (rs201365294, gnomAD 0.006%). This variant has not been reported in the literature in individuals affected with CHRNA4-related conditions. ClinVar contains an entry for this variant (Variation ID: 1411355). Invitae Evidence Modeling of protein sequence and biophysical properties (such as structural, functional, and spatial information, amino acid conservation, physicochemical variation, residue mobility, and thermodynamic stability) indicates that this missense variant is not expected to disrupt CHRNA4 protein function with a negative predictive value of 80%. In summary, the available evidence is currently insufficient to determine the role of this variant in disease. Therefore, it has been classified as a Variant of Uncertain Significance.

Ambry Genetics
Classification: Uncertain significance for Inborn genetic diseases. Last evaluated: 2025-01-02. Review status: criteria provided, single submitter. Criteria: Ambry Variant Classification Scheme 2023. Collection method: clinical testing. Allele origin: germline.